The following is an entry in ClinVar:

NM_004655.4(AXIN2):c.2370C>T (p.His790=)

Gene: AXIN2 (axin 2; minus strand). Cytogenetic location: 17q24.1.
Variant type: single nucleotide variant.
Coding change: c.2370C>T on transcript NM_004655.4 (MANE Select); coding-DNA position 2370, C replaced by T.
Protein change: p.His790=; no amino-acid change (histidine 790 retained).
Molecular consequence: synonymous variant.
Genome position (GRCh38, 1-based): chr17:65,533,947, G>A on the plus strand (C>T on the coding strand, the complement: AXIN2 is on the minus strand). VCF-style: chr17-65533947-G-A. GRCh37 (hg19) VCF-style: chr17-63530065-G-A.
Other names: c.2370C>T (LRG_296t1); c.2175C>T, p.His725= (NM_001363813.1).
Identifiers: ClinVar variation 533242 (VCV000533242.15), dbSNP rs1555576355, ClinGen allele CA501475865.

ClinVar aggregate classification (germline): Benign/Likely benign. Review status: criteria provided, multiple submitters, no conflicts (2 of 4 stars). 3 submissions from 3 submitters: Benign (1); Likely benign (2). Last evaluated 2025-06-08.

Conditions:
Oligodontia-cancer predisposition syndrome. Also called: TOOTH AGENESIS-COLORECTAL CANCER SYNDROME. Identifiers: Orphanet 300576, MedGen C1837750, MONDO:0012075, OMIM 608615. Disease mechanism: loss of function.
Hereditary cancer-predisposing syndrome. Also called: Hereditary neoplastic syndrome; Neoplastic Syndromes, Hereditary; Tumor predisposition; Hereditary Cancer Syndrome. Identifiers: Orphanet 140162, MedGen C0027672, MeSH D009386, MONDO:0015356.

Allele frequency attached by ClinVar (database versions not stated): TOPMed below 0.00001.
gnomAD v4.1: 3 of 1,614,170 alleles (0.00019%); highest among the groups gnomAD compares: Non-Finnish European, 0.00017%; no homozygotes.

Submissions (3):

Labcorp Genetics (formerly Invitae), Labcorp
Classification: Likely benign for Oligodontia-cancer predisposition syndrome. Last evaluated: 2025-06-08. Review status: criteria provided, single submitter. Criteria: Invitae Variant Classification Sherloc (09022015). Collection method: clinical testing. Allele origin: germline.

Myriad Genetics, Inc.
Classification: Benign for Oligodontia-cancer predisposition syndrome. Last evaluated: 2024-07-10. Review status: criteria provided, single submitter. Criteria: Myriad Autosomal Dominant, Autosomal Recessive and X-Linked Classification Criteria (2023). Collection method: clinical testing. Allele origin: unknown.
Comment: This variant is considered benign. This variant is a silent/synonymous amino acid change and it is not expected to impact splicing.

Ambry Genetics
Classification: Likely benign for Hereditary cancer-predisposing syndrome. Last evaluated: 2021-01-19. Review status: criteria provided, single submitter. Criteria: Ambry Variant Classification Scheme 2023. Collection method: clinical testing. Allele origin: germline.